The following is an entry in ClinVar:

NM_080425.4(GNAS):c.1422C>T (p.Pro474=)

Gene: GNAS (GNAS complex locus; plus strand). Cytogenetic location: 20q13.32.
Variant type: single nucleotide variant.
Coding change: c.1422C>T on transcript NM_080425.4 (MANE Plus Clinical); coding-DNA position 1422, C replaced by T.
Protein change: p.Pro474=; no amino-acid change (proline 474 retained).
Molecular consequence: synonymous variant. On other transcripts: missense variant (2), intron variant (3).
Genome position (GRCh38, 1-based): chr20:58,854,687, C>T. VCF-style: chr20-58854687-C-T. GRCh37 (hg19) VCF-style: chr20-57429742-C-T.
Other names: c.1235C>T, p.Pro412Leu (NM_001077490.3, NM_001309883.1); c.1422C>T, p.Pro474= (NM_001410913.1); c.*42+13801C>T (NM_016592.5); c.43+13801C>T (NM_001410912.1); c.-39+12812C>T (NM_001309861.2); short protein forms P412L.
Identifiers: ClinVar variation 584449 (VCV000584449.7), dbSNP rs532475771, ClinGen allele CA9926684.

ClinVar aggregate classification (germline): Uncertain significance. Review status: criteria provided, single submitter (1 of 4 stars). 2 submissions from 2 submitters: Uncertain significance (1). 1 of the submissions does not count toward it. Last evaluated 2017-06-28.

Conditions:
GNAS-related disorder. Identifiers: MedGen CN380105.
Pseudopseudohypoparathyroidism (PPHP). Also called: Pseudopseudohypoparathyroidism (PPHP); ALBRIGHT HEREDITARY OSTEODYSTROPHY WITHOUT MULTIPLE HORMONE RESISTANCE. Identifiers: Orphanet 79445, MedGen C0033835, MONDO:0012912, OMIM 612463.

Allele frequency attached by ClinVar (database versions not stated): gnomAD 0.00009 and 0.00008; gnomAD exomes 0.00001 and 0.00002; 1000 Genomes Project 30x 0.00047; TOPMed 0.00006; ExAC below 0.00001; 1000 Genomes Project 0.00060.
gnomAD v4.1: 27 of 1,525,254 alleles (0.0018%); highest among the groups gnomAD compares: African/African-American, 0.032%; no homozygotes.

Submissions (2):

Undiagnosed Diseases Network, NIH
Classification: Uncertain significance for Pseudopseudohypoparathyroidism. Last evaluated: 2017-06-28. Review status: criteria provided, single submitter. Criteria: ACMG Guidelines, 2015. Collection method: clinical testing. Allele origin: paternal. Inheritance: Autosomal recessive inheritance. Affected: yes. Observed: 1 variant allele, 1 heterozygote. Study: Undiagnosed Diseases Network (NIH), UDN.

PreventionGenetics, part of Exact Sciences
Classification: Likely benign for GNAS-related condition. Last evaluated: 2019-11-13. Review status: no assertion criteria provided. Collection method: clinical testing. Allele origin: germline. Not counted in ClinVar's aggregate classification.
Comment: This variant is classified as likely benign based on ACMG/AMP sequence variant interpretation guidelines (Richards et al. 2015 PMID: 25741868, with internal and published modifications).